The following is an entry in ClinVar:

NM_001904.4(CTNNB1):c.241+1del

Genes: CTNNB1 (catenin beta 1; plus strand), LOC126806658 (BRD4-independent group 4 enhancer GRCh37_chr3:41265899-41267098; plus strand). Cytogenetic location: 3p22.1.
Variant type: Deletion.
Coding change: c.241+1del on transcript NM_001904.4 (MANE Select); the canonical splice donor site of the intron after coding-DNA position 241, one base deleted (G; older notation c.241+1delG).
Molecular consequence: splice donor variant.
Genome position (GRCh38, 1-based): chr3:41,224,754, G deleted; the last of 2 consecutive G bases (chr3:41,224,753-41,224,754); deleting either gives the same sequence. VCF-style (leftmost placement, unchanged base first): chr3-41224752-TG-T. GRCh37 (hg19) VCF-style: chr3-41266243-TG-T.
Other names: c.220+1del (NM_001330729.2); c.241+1del (NM_001098209.2, NM_001098210.2).
Identifiers: ClinVar variation 3775538 (VCV003775538.1).

ClinVar aggregate classification (germline): Likely pathogenic (1 of 4 stars; one submission).

Conditions:
Severe intellectual disability-progressive spastic diplegia syndrome (NEDSDV). Also called: NEURODEVELOPMENTAL DISORDER WITH SPASTIC DIPLEGIA AND VISUAL DEFECTS; CTNNB1 Neurodevelopmental Disorder. Identifiers: Orphanet 404473, MedGen C3554449, MONDO:0014035, OMIM 615075.

Submission:

3billion
Classification: Likely pathogenic for Severe intellectual disability-progressive spastic diplegia syndrome. Last evaluated: 2024-02-26. Review status: criteria provided, single submitter. Criteria: ACMG Guidelines, 2015. Collection method: clinical testing. Allele origin: germline. Affected: yes.
Comment: The variant is not observed in the gnomAD v2.1.1 dataset. Predicted Consequence/Location: Frameshift: predicted to result in a loss or disruption of normal protein function through nonsense-mediated decay (NMD) or protein truncation. Multiple pathogenic variants are reported downstream of the variant. In silico tools predict the variant to alter splicing and produce an abnormal transcript [Splice AI: 1.00 (spliceogenicity >=0.2, non-spliceogenicity <0.1)]. Therefore, this variant is classified as Likely pathogenic according to the recommendation of ACMG/AMP guideline.